The following is an entry in ClinVar:

NM_000038.6(APC):c.5224C>T (p.Arg1742Cys)

Gene: APC (APC regulator of Wnt signaling pathway; plus strand). Cytogenetic location: 5q22.2.
Variant type: single nucleotide variant.
Coding change: c.5224C>T on transcript NM_000038.6 (MANE Select); coding-DNA position 5224, C replaced by T.
Protein change: p.Arg1742Cys; replaces arginine 1742 with cysteine.
Molecular consequence: missense variant.
Genome position (GRCh38, 1-based): chr5:112,840,818, C>T. VCF-style: chr5-112840818-C-T. GRCh37 (hg19) VCF-style: chr5-112176515-C-T.
Other names: c.5224C>T, p.Arg1742Cys (NM_001127510.3, NM_001354895.2); c.5170C>T, p.Arg1724Cys (NM_001127511.3); c.5278C>T, p.Arg1760Cys (NM_001354896.2); c.5254C>T, p.Arg1752Cys (NM_001354897.2); c.5149C>T, p.Arg1717Cys (NM_001354898.2); c.5140C>T, p.Arg1714Cys (NM_001354899.2); c.5101C>T, p.Arg1701Cys (NM_001354900.2); c.5047C>T, p.Arg1683Cys (NM_001354901.2); and 5 more; short protein forms R1724C, R1742C, R1459C, R1651C, R1752C, R1701C, R1717C, R1760C.
Identifiers: ClinVar variation 230908 (VCV000230908.36), dbSNP rs876658835, ClinGen allele CA10578399.

ClinVar aggregate classification (germline): Conflicting classifications of pathogenicity. Review status: criteria provided, conflicting classifications (1 of 4 stars). 11 submissions from 11 submitters: Uncertain significance (10); Likely benign (1). Last evaluated 2025-11-27.

Conditions:
Hereditary cancer-predisposing syndrome. Also called: Neoplastic Syndromes, Hereditary; Tumor predisposition; Hereditary Cancer Syndrome; Hereditary neoplastic syndrome. Identifiers: Orphanet 140162, MedGen C0027672, MeSH D009386, MONDO:0015356.
Desmoid disease, hereditary (DESMD). Also called: FIBROMATOSIS, FAMILIAL INFILTRATIVE. Identifiers: Orphanet 873, MedGen C1851124, OMIM 135290. Disease mechanism: loss of function.
Familial adenomatous polyposis 1 (FAP1). Also called: FAMILIAL ADENOMATOUS POLYPOSIS 1, ATTENUATED; POLYPOSIS, ADENOMATOUS INTESTINAL. Identifiers: MedGen C2713442, MONDO:0021056, OMIM 175100. Disease mechanism: loss of function.
Classic or attenuated familial adenomatous polyposis. Identifiers: MedGen CN372698, MONDO:0021057.
APC-Associated Polyposis Disorders.

Allele frequency attached by ClinVar (database versions not stated): gnomAD exomes below 0.00001; gnomAD 0.00001; TOPMed 0.00001.
gnomAD v4.1: 6 of 1,613,918 alleles (0.00037%); highest among the groups gnomAD compares: African/African-American, 0.0013%; no homozygotes.

Submissions (11):

Labcorp Genetics (formerly Invitae), Labcorp
Classification: Uncertain significance for Familial adenomatous polyposis 1. Last evaluated: 2025-11-27. Review status: criteria provided, single submitter. Criteria: Invitae Variant Classification Sherloc (09022015). Collection method: clinical testing. Allele origin: germline.
Comment: This sequence change replaces arginine, which is basic and polar, with cysteine, which is neutral and slightly polar, at codon 1742 of the APC protein (p.Arg1742Cys). This variant is not present in population databases (gnomAD no frequency). This missense change has been observed in individual(s) with colorectal cancer (PMID: 34347074). ClinVar contains an entry for this variant (Variation ID: 230908). Invitae Evidence Modeling of protein sequence and biophysical properties (such as structural, functional, and spatial information, amino acid conservation, physicochemical variation, residue mobility, and thermodynamic stability) indicates that this missense variant is not expected to disrupt APC protein function with a negative predictive value of 95%. In summary, the available evidence is currently insufficient to determine the role of this variant in disease. Therefore, it has been classified as a Variant of Uncertain Significance.

Ambry Genetics
Classification: Likely benign for Hereditary cancer-predisposing syndrome. Last evaluated: 2025-07-08. Review status: criteria provided, single submitter. Criteria: Ambry Variant Classification Scheme 2023. Collection method: clinical testing. Allele origin: germline.

Center for Genomic Medicine, Rigshospitalet, Copenhagen University Hospital
Classification: Uncertain significance. Last evaluated: 2025-03-04. Review status: criteria provided, single submitter. Criteria: ACMG Guidelines, 2015. Collection method: clinical testing. Allele origin: germline.

GeneDx
Classification: Uncertain significance. Last evaluated: 2024-12-23. Review status: criteria provided, single submitter. Criteria: GeneDx Variant Classification Process June 2021. Collection method: clinical testing. Allele origin: germline. Affected: yes.
Comment: Not observed at significant frequency in large population cohorts (gnomAD); In silico analysis indicates that this missense variant does not alter protein structure/function; Observed in individuals with colorectal cancer (PMID: 34347074); This variant is associated with the following publications: (PMID: 18199528, 34347074, 36243179)

Women's Health and Genetics/Laboratory Corporation of America, LabCorp
Classification: Uncertain significance. Last evaluated: 2024-10-21. Review status: criteria provided, single submitter. Criteria: LabCorp Variant Classification Summary - May 2015. Collection method: clinical testing. Allele origin: germline.
Comment: Variant summary: APC c.5224C>T (p.Arg1742Cys) results in a non-conservative amino acid change in the encoded protein sequence. Five of five in-silico tools predict a damaging effect of the variant on protein function. The variant was absent in 250600 control chromosomes. The available data on variant occurrences in the general population are insufficient to allow any conclusion about variant significance. c.5224C>T has been reported in the literature in at-least one individual affected with colorectal cancer (example: Biscaglia_2021). These report(s) do not provide unequivocal conclusions about association of the variant with Familial Adenomatous Polyposis. To our knowledge, no experimental evidence demonstrating an impact on protein function has been reported. The following publications have been ascertained in the context of this evaluation (PMID: 34347074, 36243179). ClinVar contains an entry for this variant (Variation ID: 230908). Based on the evidence outlined above, the variant was classified as uncertain significance.

Quest Diagnostics Nichols Institute San Juan Capistrano
Classification: Uncertain significance. Last evaluated: 2024-10-20. Review status: criteria provided, single submitter. Criteria: Quest Diagnostics criteria. Collection method: clinical testing. Allele origin: unknown.
Comment: The APC c.5224C>T (p.Arg1742Cys) variant has been reported in the published literature in an individual affected with colorectal cancer (PMID: 34347074 (2020)), as well as in at least one reportedly healthy individual (PMID: 34347074 (2022)). The frequency of this variant in the general population, 0.0000034 (4/1179976 chromosomes (Genome Aggregation Database)), is uninformative in the assessment of its pathogenicity. Analysis of this variant using bioinformatics tools for the prediction of the effect of amino acid changes on protein structure and function yielded predictions that this variant is damaging. Based on the available information, we are unable to determine the clinical significance of this variant.

All of Us Research Program, National Institutes of Health
Classification: Uncertain significance for Classic or attenuated familial adenomatous polyposis. Last evaluated: 2024-07-29. Review status: criteria provided, single submitter. Criteria: ACMG Guidelines, 2015. Collection method: clinical testing. Allele origin: germline. Inheritance: Autosomal dominant inheritance. Observed: 6 variant alleles, 6 heterozygotes.
Comment: This missense variant replaces arginine with cysteine at codon 1742 of the APC protein. Computational prediction is inconclusive regarding the impact of this variant on protein structure and function (internally defined REVEL score threshold 0.5 < inconclusive < 0.7, PMID: 27666373). Splice site prediction tools suggest that this variant may not impact RNA splicing. To our knowledge, functional studies have not been performed for this variant. This variant has been reported in an individual affected with colorectal cancer (PMID: 34347074) and in unaffected individuals (PMID: 32980694). This variant has not been identified in the general population by the Genome Aggregation Database (gnomAD). The available evidence is insufficient to determine the role of this variant in disease conclusively. Therefore, this variant is classified as a Variant of Uncertain Significance.

This study involves interpretation of variants in research participants for the purpose of population health screening. Participant phenotype was not available at the time of variant classification. Additional details can be found in publication PMID: 35346344, PMCID: PMC8962531

Department of Pathology and Laboratory Medicine, Sinai Health System
Classification: Uncertain significance for Familial adenomatous polyposis 1; Desmoid disease, hereditary. Last evaluated: 2024-06-17. Review status: criteria provided, single submitter. Criteria: ACMG Guidelines, 2015. Collection method: clinical testing. Allele origin: germline. Affected: yes.

Color Diagnostics, LLC DBA Color Health
Classification: Uncertain significance for Hereditary cancer-predisposing syndrome. Last evaluated: 2024-05-06. Review status: criteria provided, single submitter. Criteria: ACMG Guidelines, 2015. Collection method: clinical testing. Allele origin: germline.
Comment: This missense variant replaces arginine with cysteine at codon 1742 of the APC protein. Computational prediction is inconclusive regarding the impact of this variant on protein structure and function (internally defined REVEL score threshold 0.5 < inconclusive < 0.7, PMID: 27666373). To our knowledge, functional studies have not been performed for this variant. This variant has been reported in an individual affected with colorectal cancer (PMID: 34347074) and in an unaffected individual (PMID: 32980694). This variant has not been identified in the general population by the Genome Aggregation Database (gnomAD). The available evidence is insufficient to determine the role of this variant in disease conclusively. Therefore, this variant is classified as a Variant of Uncertain Significance.

Institute for Biomarker Research, Medical Diagnostic Laboratories, L.L.C.
Classification: Uncertain significance for Hereditary cancer-predisposing syndrome. Last evaluated: 2023-11-21. Review status: criteria provided, single submitter. Criteria: ACMG Guidelines, 2015. Collection method: clinical testing. Allele origin: germline.

Illumina Laboratory Services, Illumina
Classification: Uncertain significance for APC-Associated Polyposis Disorders. Last evaluated: 2018-01-13. Review status: criteria provided, single submitter. Criteria: ICSL Variant Classification Criteria 13 December 2019. Collection method: clinical testing. Allele origin: germline.

Literature cited by the submitters: PubMed 34347074 (cited by 6 submitters); PubMed 36243179 (cited by Women's Health and Genetics/Laboratory Corporation of America, LabCorp); PubMed 32980694 (cited by 4 submitters).